The following is an entry in ClinVar:

ClinVar aggregate classification (germline): Uncertain significance (1 of 4 stars; one submission).

gnomAD v4.1: 1 of 1,613,674 alleles (0.000062%); highest among the groups gnomAD compares: Non-Finnish European, 0.000085%; no homozygotes.

Submission:

GeneDx
Classification: Uncertain significance. Last evaluated: 2020-10-27. Review status: criteria provided, single submitter. Criteria: GeneDx Variant Classification Process June 2021. Collection method: clinical testing. Allele origin: germline. Affected: yes.
Comment: Not observed in large population cohorts (Lek et al., 2016); Missense variants in this gene are often considered pathogenic (Stenson et al., 2014); In silico analysis supports that this missense variant has a deleterious effect on protein structure/function; This substitution is predicted to be in the cytoplasmic loop between the second and third homologous domains; Has not been previously published as pathogenic or benign to our knowledge

NM_001165963.4(SCN1A):c.3166A>C (p.Asn1056His)

Genes: SCN1A (sodium voltage-gated channel alpha subunit 1; minus strand), LOC102724058 (uncharacterized LOC102724058; plus strand). Cytogenetic location: 2q24.3.
Variant type: single nucleotide variant.
Coding change: c.3166A>C on transcript NM_001165963.4 (MANE Select); coding-DNA position 3166, A replaced by C.
Protein change: p.Asn1056His; replaces asparagine 1056 with histidine.
Molecular consequence: missense variant. On other transcripts: non-coding transcript variant (2).
Genome position (GRCh38, 1-based): chr2:166,036,311, T>G on the plus strand (A>C on the coding strand, the complement: SCN1A is on the minus strand). VCF-style: chr2-166036311-T-G. GRCh37 (hg19) VCF-style: chr2-166892821-T-G.
Other names: c.3082A>C, p.Asn1028His (NM_001165964.3, NM_001353957.2, NM_001353958.2); c.3166A>C, p.Asn1056His (NM_001202435.3, NM_001353948.2); c.3133A>C, p.Asn1045His (NM_001353949.2, NM_001353950.2, NM_001353951.2 and 2 more transcripts); c.3130A>C, p.Asn1044His (NM_001353954.2, NM_001353955.2); c.3079A>C, p.Asn1027His (NM_001353960.2); c.724A>C, p.Asn242His (NM_001353961.2); short protein forms N1027H, N1028H, N1044H, N1045H, N1056H, N242H.
Identifiers: ClinVar variation 1313563 (VCV001313563.2), dbSNP rs746016312, ClinGen allele CA349059712.
Genomic context (GRCh38, chr2:166,036,311, plus strand): 5'-GATAGTCAAGATCTTTCCCAATTTCTGCTGTATGATTGGACATACAACTGTCTTTCTTGT[T>G]GTTTAGATCATCAAGTGGTTTAATTTCATCTAAAATCTTTTGTTTCCTAATGAAGGACTG-3'
Protein context (NP_001159435.1, residues 1046-1066): DEIKPLDDLN[Asn1056His]KKDSCMSNHT